The following is an entry in ClinVar:

ClinVar aggregate classification (germline): Conflicting classifications of pathogenicity. Review status: criteria provided, conflicting classifications (1 of 4 stars). 4 submissions from 4 submitters: Uncertain significance (1); Likely benign (2). 1 of the submissions does not count toward it. Last evaluated 2025-08-29.

Conditions:
Charcot-Marie-Tooth disease. Also called: Charcot-Marie-Tooth Neuropathy; Charcot-Marie-Tooth Hereditary Neuropathy. Identifiers: Orphanet 166, MedGen C0007959, MONDO:0015626.
FIG4-related disorder. Also called: FIG4-related disorders; FIG4-related condition.
Inborn genetic diseases. Identifiers: MedGen C0950123, MeSH D030342.
Charcot-Marie-Tooth disease type 4. Also called: Charcot-Marie-Tooth, Type 4; Charcot-Marie-Tooth disease, type IV. Identifiers: Orphanet 64749, MedGen C4082197, MONDO:0018995.

Allele frequency attached by ClinVar (database versions not stated): TOPMed 0.00004; 1000 Genomes Project 30x 0.00047; 1000 Genomes Project 0.00060.
gnomAD v4.1: 272 of 1,612,820 alleles (0.017%); highest among the groups gnomAD compares: South Asian, 0.28%; 7 homozygotes.

Submissions (4):

Labcorp Genetics (formerly Invitae), Labcorp
Classification: Likely benign for Charcot-Marie-Tooth disease type 4. Last evaluated: 2025-08-29. Review status: criteria provided, single submitter. Criteria: Invitae Variant Classification Sherloc (09022015). Collection method: clinical testing. Allele origin: germline.

Ambry Genetics
Classification: Likely benign for Inborn genetic diseases. Last evaluated: 2021-06-08. Review status: criteria provided, single submitter. Criteria: Ambry Variant Classification Scheme 2023. Collection method: clinical testing. Allele origin: germline.

Molecular Genetics Laboratory, London Health Sciences Centre
Classification: Uncertain significance for Charcot-Marie-Tooth disease. Review status: criteria provided, single submitter. Criteria: ACMG Guidelines, 2015. Collection method: clinical testing. Allele origin: germline. Affected: yes.

PreventionGenetics, part of Exact Sciences
Classification: Likely benign for FIG4-related condition. Last evaluated: 2020-05-18. Review status: no assertion criteria provided. Collection method: clinical testing. Allele origin: germline. Not counted in ClinVar's aggregate classification.
Comment: This variant is classified as likely benign based on ACMG/AMP sequence variant interpretation guidelines (Richards et al. 2015 PMID: 25741868, with internal and published modifications).

NM_014845.6(FIG4):c.401A>C (p.Tyr134Ser)

Gene: FIG4 (FIG4 phosphoinositide 5-phosphatase; plus strand). Cytogenetic location: 6q21.
Variant type: single nucleotide variant.
Coding change: c.401A>C on transcript NM_014845.6 (MANE Select); coding-DNA position 401, A replaced by C.
Protein change: p.Tyr134Ser; replaces tyrosine 134 with serine.
Molecular consequence: missense variant.
Genome position (GRCh38, 1-based): chr6:109,727,220, A>C. VCF-style: chr6-109727220-A-C. GRCh37 (hg19) VCF-style: chr6-110048423-A-C.
Other names: short protein forms Y134S.
Identifiers: ClinVar variation 696334 (VCV000696334.15), dbSNP rs571563767, ClinGen allele CA3955758.
Genomic context (GRCh38, chr6:109,727,220, plus strand): 5'-GGAAGATGGCGGATATTGGAGGTCATGCAATCTATAAGGTCGAAGATACAAATATGATCT[A>C]TATACCCAATGATTCTGTACGGGTTACTCATCCTGATGAAGCTAGGTATGTATGGTGGTA-3'
Protein context (NP_055660.1, residues 124-144): IYKVEDTNMI[Tyr134Ser]IPNDSVRVTH